The following is an entry in ClinVar:

ClinVar aggregate classification (germline): Uncertain significance (1 of 4 stars; one submission).

Conditions:
Muscle AMP deaminase deficiency (MMDD). Also called: Myoadenylate deaminase deficiency, myopathy due to; Adenosine monophosphate deaminase 1 deficiency; AMP deaminase 1 deficiency; Adenosine Monophosphate Deaminase 1; AMPD1 DEFICIENCY; ADENOSINE MONOPHOSPHATE DEAMINASE-1 DEFICIENCY, MYOPATHY DUE TO. Identifiers: Orphanet 45, MedGen C3714933, MONDO:0014220, OMIM 615511.

Allele frequency attached by ClinVar (database versions not stated): gnomAD 0.00001 and 0.00002; ExAC 0.00002; TOPMed 0.00002; ESP Exome Variant Server 0.00008; 1000 Genomes Project 30x 0.00016; 1000 Genomes Project 0.00020.
gnomAD v4.1: 44 of 1,614,170 alleles (0.0027%); highest among the groups gnomAD compares: Admixed American, 0.0067%; no homozygotes.

Submission:

Labcorp Genetics (formerly Invitae), Labcorp
Classification: Uncertain significance for Muscle AMP deaminase deficiency. Last evaluated: 2022-05-27. Review status: criteria provided, single submitter. Criteria: Invitae Variant Classification Sherloc (09022015). Collection method: clinical testing. Allele origin: germline.
Comment: This sequence change replaces arginine, which is basic and polar, with cysteine, which is neutral and slightly polar, at codon 51 of the AMPD1 protein (p.Arg51Cys). This variant is present in population databases (rs369335745, gnomAD 0.01%). This variant has not been reported in the literature in individuals affected with AMPD1-related conditions. Algorithms developed to predict the effect of missense changes on protein structure and function are either unavailable or do not agree on the potential impact of this missense change (SIFT: "Tolerated"; PolyPhen-2: "Probably Damaging"; Align-GVGD: "Class C0"). In summary, the available evidence is currently insufficient to determine the role of this variant in disease. Therefore, it has been classified as a Variant of Uncertain Significance.

NM_000036.3(AMPD1):c.52C>T (p.Arg18Cys)

Gene: AMPD1 (adenosine monophosphate deaminase 1; minus strand). Cytogenetic location: 1p13.2.
Variant type: single nucleotide variant.
Coding change: c.52C>T on transcript NM_000036.3 (MANE Select); coding-DNA position 52, C replaced by T.
Protein change: p.Arg18Cys; replaces arginine 18 with cysteine.
Molecular consequence: missense variant.
Genome position (GRCh38, 1-based): chr1:114,688,724, G>A on the plus strand (C>T on the coding strand, the complement: AMPD1 is on the minus strand). VCF-style: chr1-114688724-G-A. GRCh37 (hg19) VCF-style: chr1-115231345-G-A.
Other names: c.40C>T, p.Arg14Cys (NM_001172626.2); short protein forms R14C, R18C.
Identifiers: ClinVar variation 1465063 (VCV001465063.5), dbSNP rs369335745, ClinGen allele CA1020567.